The following is an entry in ClinVar:

NC_000002.11:g.(?_228142145)_(228149081_?)del

Gene: COL4A3 (collagen type IV alpha 3 chain; plus strand). Cytogenetic location: 2q36.3.
Variant type: Deletion.
Identifiers: ClinVar variation 3247437 (VCV003247437.1).

ClinVar aggregate classification (germline): Uncertain significance (1 of 4 stars; one submission).

Submission:

Labcorp Genetics (formerly Invitae), Labcorp
Classification: Uncertain significance. Last evaluated: 2023-07-18. Review status: criteria provided, single submitter. Criteria: Invitae Variant Classification Sherloc (09022015). Collection method: clinical testing. Allele origin: unknown.
Comment: In summary, the available evidence is currently insufficient to determine the role of this variant in disease. Therefore, it has been classified as a Variant of Uncertain Significance. This variant has not been reported in the literature in individuals affected with COL4A3-related conditions. This variant is a gross deletion of the genomic region encompassing exon(s) 28-34 of the COL4A3 gene. This variant would be expected to be in-frame, preserving the integrity of the reading frame.